The following is an entry in ClinVar:

NM_002734.5(PRKAR1A):c.770-9G>T

Gene: PRKAR1A (protein kinase cAMP-dependent type I regulatory subunit alpha; plus strand). Cytogenetic location: 17q24.2.
Variant type: single nucleotide variant.
Coding change: c.770-9G>T on transcript NM_002734.5 (MANE Select); 9 bases into the intron before coding-DNA position 770, G replaced by T.
Molecular consequence: intron variant.
Genome position (GRCh38, 1-based): chr17:68,528,861, G>T. VCF-style: chr17-68528861-G-T. GRCh37 (hg19) VCF-style: chr17-66525002-G-T.
Other names: c.770-9G>T (NM_001278433.2, NM_001369389.1, NM_212471.3 and 5 more transcripts).
Identifiers: ClinVar variation 413787 (VCV000413787.19), dbSNP rs562094333, ClinGen allele CA8729388.

ClinVar aggregate classification (germline): Benign. Review status: criteria provided, multiple submitters, no conflicts (2 of 4 stars). 6 submissions from 5 submitters: Benign (5). 1 of the submissions does not count toward it. Last evaluated 2026-01-14.

Conditions:
PRKAR1A-related disorder. Also called: PRKAR1A-related condition.
Carney complex, type 1 (CNC1). Also called: CARNEY COMPLEX, TYPE I; CARNEY MYXOMA-ENDOCRINE COMPLEX. Identifiers: Orphanet 1359, MedGen C2607929, MONDO:0008057, OMIM 160980.
Familial atrial myxoma. Identifiers: Orphanet 615, MedGen C2931787, MONDO:0009719, OMIM 255960.
Acrodysostosis 1 with or without hormone resistance (ACRDYS1). Also called: ACRODYSOSTOSIS 1 WITH HORMONE RESISTANCE; ACRODYSOSTOSIS 1 WITHOUT HORMONE RESISTANCE; ACRODYSOSTOSIS WITH HORMONE RESISTANCE. Identifiers: Orphanet 280651, MedGen C3276228, MONDO:0007044, OMIM 101800.

Allele frequency attached by ClinVar (database versions not stated): gnomAD below 0.00001 and 0.00027; TOPMed 0.00003; gnomAD exomes 0.00045 and 0.00108; ExAC 0.00119; 1000 Genomes Project 0.00339; 1000 Genomes Project 30x 0.00344.
gnomAD v4.1: 711 of 1,613,620 alleles (0.044%); highest among the groups gnomAD compares: South Asian, 0.74%; 15 homozygotes.

Submissions (7):

Labcorp Genetics (formerly Invitae), Labcorp
Classification: Benign for Carney complex, type 1. Last evaluated: 2026-01-14. Review status: criteria provided, single submitter. Criteria: Invitae Variant Classification Sherloc (09022015). Collection method: clinical testing. Allele origin: germline.

KCCC/NGS Laboratory, Kuwait Cancer Control Center
Classification: Benign for Familial atrial myxoma. Last evaluated: 2023-07-07. Review status: criteria provided, single submitter. Criteria: ACMG Guidelines, 2015. Collection method: clinical testing. Allele origin: germline. Affected: yes.

Illumina Laboratory Services, Illumina
Classification: Benign for Acrodysostosis 1 with or without hormone resistance. Last evaluated: 2018-01-12. Review status: criteria provided, single submitter. Criteria: ICSL Variant Classification Criteria 13 December 2019. Collection method: clinical testing. Allele origin: germline.
Comment: This variant was observed in the ICSL laboratory as part of a predisposition screen in an ostensibly healthy population. It had not been previously curated by ICSL or reported in the Human Gene Mutation Database (HGMD: prior to June 1st, 2018), and was therefore a candidate for classification through an automated scoring system. Utilizing variant allele frequency, disease prevalence and penetrance estimates, and inheritance mode, an automated score was calculated to assess if this variant is too frequent to cause the disease. Based on the score and internal cut-off values, a variant classified as benign is not then subjected to further curation. The score for this variant resulted in a classification of benign for this disease.

Illumina Laboratory Services, Illumina
Classification: Benign for Carney complex, type 1. Last evaluated: 2018-01-12. Review status: criteria provided, single submitter. Criteria: ICSL Variant Classification Criteria 13 December 2019. Collection method: clinical testing. Allele origin: germline.
Comment: the same text as in the submission from Illumina Laboratory Services, Illumina above.

Women's Health and Genetics/Laboratory Corporation of America, LabCorp
Classification: Benign. Last evaluated: 2017-12-15. Review status: criteria provided, single submitter. Criteria: LabCorp Variant Classification Summary - May 2015. Collection method: clinical testing. Allele origin: germline.
Comment: Variant summary: The PRKAR1A c.770-9G>T variant involves the alteration of a non-conserved intronic nucleotide. One in silico tool predicts a benign outcome for this variant. 5/5 splice prediction tools predict no significant impact on normal splicing. ESE finder predicts the loss of a SC35 binding site. However, these predictions have yet to be confirmed by functional studies. This variant was found in 269/246052 control chromosomes (6 homozygotes)(gnomAD) at a frequency of 0.0010933, which is approximately 583 times the estimated maximal expected allele frequency of a pathogenic PRKAR1A variant (0.0000019), suggesting this variant is likely a benign polymorphism. In addition, one reputable clinical diagnostic laboratory classified this variant as benign. The variant of interest has not, to our knowledge, been reported in affected individuals via publications and/or reputable databases; nor evaluated for functional impact by in vivo/vitro studies. Taken together, this variant is classified as benign.

PreventionGenetics, part of Exact Sciences
Classification: Benign for PRKAR1A-related condition. Last evaluated: 2024-04-10. Review status: no assertion criteria provided. Collection method: clinical testing. Allele origin: germline. Not counted in ClinVar's aggregate classification.
Comment: This variant is classified as benign based on ACMG/AMP sequence variant interpretation guidelines (Richards et al. 2015 PMID: 25741868, with internal and published modifications).

Dr. Peter K. Rogan Lab, Western University
No classification provided (evidence only). Condition: Lung cancer. Review status: no classification provided. Collection method: in vitro. Allele origin: not applicable. Functional consequence: retained intron. Not counted in ClinVar's aggregate classification.